The following is an entry in ClinVar:

NM_173660.5(DOK7):c.1361_1374del (p.Leu454fs)

Gene: DOK7 (docking protein 7; plus strand). Cytogenetic location: 4p16.3.
Variant type: Deletion.
Coding change: c.1361_1374del on transcript NM_173660.5 (MANE Select); coding-DNA positions 1361 to 1374, 14 bases deleted (TGGTGATGGAGGCC).
Protein change: p.Leu454fs; shifts the reading frame from leucine 454.
Molecular consequence: frameshift variant. On other transcripts: 3 prime UTR variant (1).
Genome position (GRCh38, 1-based): chr4:3,493,347-3,493,360, TGGTGATGGAGGCC deleted; deleting any 14 consecutive bases within chr4:3,493,343-3,493,360 gives the same sequence; the c. name uses the placement nearest the transcript's 3' end. VCF-style (leftmost placement, unchanged base first): chr4-3493342-GGGCCTGGTGATGGA-G. GRCh37 (hg19) VCF-style: chr4-3495069-GGGCCTGGTGATGGA-G.
Other names: c.*582_*595del (NM_001164673.2); c.431_444del, p.Leu144fs (NM_001256896.2); c.1361_1374del, p.Leu454fs (NM_001301071.2); c.929_942del, p.Leu310fs (NM_001363811.2); short protein forms L310fs, L144fs, L454fs.
Identifiers: ClinVar variation 2203505 (VCV002203505.6), dbSNP rs2475116505, ClinGen allele CA2580070726.
Genomic context (GRCh38, chr4:3,493,342, plus strand): 5'-GGACTCAGGCGGCCAGACGTCCGCCGGGTGTCCCTCTGGCTGGCTGGGCACGAGACGGCG[GGGCCTGGTGATGGA>G]GGCCCCCCAGGGCAGCGAGGCCACACTGCCTGGCCCTGCCCCTGGCGAGCCCTGGGAAGC-3'

ClinVar aggregate classification (germline): Pathogenic/Likely pathogenic. Review status: criteria provided, multiple submitters, no conflicts (2 of 4 stars). 2 submissions from 2 submitters: Pathogenic (1); Likely pathogenic (1). Last evaluated 2026-04-10.

Conditions:
Congenital myasthenic syndrome 10. Also called: Myasthenia, limb-girdle, familial. Identifiers: Orphanet 590, MedGen C1850792, MONDO:0009690, OMIM 254300.
Fetal akinesia deformation sequence 1 (FADS1). Also called: Pena-Shokeir syndrome type I; Fetal akinesia sequence. Identifiers: Orphanet 994, MedGen C1276035, MONDO:0100101, OMIM 208150, HP:0001989.

Submissions (2):

Dasa
Classification: Likely pathogenic. Last evaluated: 2026-04-10. Review status: criteria provided, single submitter. Criteria: DASA Assertion Criteria. Collection method: clinical testing. Allele origin: germline.
Comment: NM_173660.5(DOK7):c.1361_1374del (p.Leu454Profs*60) is a frameshift variant in DOK7 predicted to alter the reading frame and introduce a premature termination codon. This variant has been recurrently observed in individuals with DOK7-related disorders (PMID: 16917026; PMID: 17439981; PMID: 37303354). Also, this variant is rare in population databases. Based on the currently available evidence, this variant is classified as likely pathogenic.

Labcorp Genetics (formerly Invitae), Labcorp
Classification: Pathogenic for Congenital myasthenic syndrome 10; Fetal akinesia deformation sequence 1. Last evaluated: 2024-01-10. Review status: criteria provided, single submitter. Criteria: Invitae Variant Classification Sherloc (09022015). Collection method: clinical testing. Allele origin: germline.
Comment: This sequence change results in a frameshift in the DOK7 gene (p.Leu454Profs*60). While this is not anticipated to result in nonsense mediated decay, it is expected to disrupt the last 51 amino acid(s) of the DOK7 protein and extend the protein by 8 additional amino acid residues. This variant is not present in population databases (gnomAD no frequency). This frameshift has been observed in individual(s) with clinical features of congenital myasthenic syndrome (PMID: 16917026). This variant is also known as c.1357_1370del14 (p.Arg452ArgfsX61). ClinVar contains an entry for this variant (Variation ID: 2203505). This variant disrupts a region of the DOK7 protein in which other variant(s) (p.Pro486Argfs*15) have been determined to be pathogenic (PMID: 29118959). This suggests that this is a clinically significant region of the protein, and that variants that disrupt it are likely to be disease-causing. For these reasons, this variant has been classified as Pathogenic.

Literature cited by the submitters: PubMed 16917026 (cited by Dasa and Labcorp Genetics (formerly Invitae), Labcorp); PubMed 37303354 (cited by Dasa); PubMed 17439981 (cited by Dasa); PubMed 29118959 (cited by Labcorp Genetics (formerly Invitae), Labcorp).